The following is an entry in ClinVar:

ClinVar aggregate classification (germline): Conflicting classifications of pathogenicity. Review status: criteria provided, conflicting classifications (1 of 4 stars). 3 submissions from 3 submitters: Uncertain significance (1); Likely benign (2). Last evaluated 2025-11-01.

Conditions:
Familial melanoma. Also called: Hereditary melanoma; Hereditary cutaneous melanoma. Identifiers: Orphanet 618, MedGen C1512419, MONDO:0018961.
Hereditary cancer-predisposing syndrome. Also called: Tumor predisposition; Hereditary Cancer Syndrome; Hereditary neoplastic syndrome; Neoplastic Syndromes, Hereditary. Identifiers: Orphanet 140162, MedGen C0027672, MeSH D009386, MONDO:0015356.

Submissions (3):

Labcorp Genetics (formerly Invitae), Labcorp
Classification: Likely benign for Familial melanoma. Last evaluated: 2025-11-01. Review status: criteria provided, single submitter. Criteria: Invitae Variant Classification Sherloc (09022015). Collection method: clinical testing. Allele origin: germline.

Ambry Genetics
Classification: Likely benign for Hereditary cancer-predisposing syndrome. Last evaluated: 2019-10-29. Review status: criteria provided, single submitter. Criteria: Ambry Variant Classification Scheme 2023. Collection method: clinical testing. Allele origin: germline.

GeneDx
Classification: Uncertain significance. Last evaluated: 2015-05-07. Review status: criteria provided, single submitter. Criteria: GeneDx Variant Classification (06012015). Collection method: clinical testing. Allele origin: germline. Affected: yes.
Comment: This variant is denoted CDKN2A c.325G>A at the cDNA level. The CDKN2A gene encodes the p16 protein and, using an alternate reading frame, the p14-ARF protein as well. At the protein level this variant is denoted p.Gly109Ser (G109S), and results in the change of a Glycine to a Serine (GGT>AGT) of the p14-ARF protein. Of note, this variant also results in a change to the p16 protein; however, that amino acid substitution is silent (p.Leu94Leu). This variant has not, to our knowledge, been published in the literature as pathogenic or benign. CDKN2A c.325G>A was not observed in approximately 6,500 individuals of European and African American ancestry in the NHLBI Exome Sequencing Project, suggesting it is not a common benign variant in these populations. Since Glycine and Serine differ in polarity, charge, size or other properties, this is considered a non-conservative amino acid substitution. CDKN2A c.325G>A occurs at a position that is not conserved and is not located in a known functional domain. In silico analyses are inconsistent regarding the effect this variant may have on protein structure and function. Based on the currently available information, we consider this to be a variant of uncertain significance.

NM_000077.5(CDKN2A):c.282G>A (p.Leu94=)

Gene: CDKN2A (cyclin dependent kinase inhibitor 2A; minus strand). Cytogenetic location: 9p21.3.
Variant type: single nucleotide variant.
Coding change: c.282G>A on transcript NM_000077.5; coding-DNA position 282, G replaced by A.
Protein change: p.Leu94=; no amino-acid change (leucine 94 retained).
Molecular consequence: synonymous variant (on NM_000077.6). On other transcripts: missense variant (1), 3 prime UTR variant (1).
Genome position (GRCh38, 1-based): chr9:21,971,077, C>T on the plus strand (G>A on the coding strand, the complement: CDKN2A is on the minus strand). VCF-style: chr9-21971077-C-T. GRCh37 (hg19) VCF-style: chr9-21971076-C-T.
Other names: c.282G>A, p.Leu94= (NM_000077.6, NM_001195132.2); c.129G>A, p.Leu43= (NM_001363763.2); c.325G>A, p.Gly109Ser (NM_058195.4); c.*205G>A (NM_058197.5); short protein forms G109S.
Identifiers: ClinVar variation 419020 (VCV000419020.16), dbSNP rs1064793589, ClinGen allele CA16618828.